The following is an entry in ClinVar:

NM_001035.3(RYR2):c.1219A>C (p.Arg407=)

Gene: RYR2 (ryanodine receptor 2; plus strand). Cytogenetic location: 1q43.
Variant type: single nucleotide variant.
Coding change: c.1219A>C on transcript NM_001035.3 (MANE Select); coding-DNA position 1219, A replaced by C.
Protein change: p.Arg407=; no amino-acid change (arginine 407 retained).
Molecular consequence: synonymous variant.
Genome position (GRCh38, 1-based): chr1:237,445,449, A>C. VCF-style: chr1-237445449-A-C. GRCh37 (hg19) VCF-style: chr1-237608749-A-C.
Other names: c.1219A>C (NM_001035.2).
Identifiers: ClinVar variation 927850 (VCV000927850.14), dbSNP rs1382123934, ClinGen allele CA423812071.

ClinVar aggregate classification (germline): Likely benign. Review status: criteria provided, multiple submitters, no conflicts (2 of 4 stars). 4 submissions from 4 submitters: Likely benign (4). Last evaluated 2025-10-25.

Conditions:
Catecholaminergic polymorphic ventricular tachycardia (CVPT). Also called: Catecholamine-induced polymorphic ventricular tachycardia. Identifiers: Orphanet 3286, MedGen C5574922, MONDO:0017990.
Cardiovascular phenotype. Identifiers: MedGen CN230736.
Cardiomyopathy (CMYO). Also called: Cardiomyopathies. Identifiers: Orphanet 167848, MedGen C0878544, MONDO:0004994, HP:0001638. Inheritance: Various modes of inheritance.
Catecholaminergic polymorphic ventricular tachycardia 1. Also called: VENTRICULAR TACHYCARDIA, CATECHOLAMINERGIC POLYMORPHIC, 1, WITH OR WITHOUT ATRIAL DYSFUNCTION AND/OR DILATED CARDIOMYOPATHY; VENTRICULAR TACHYCARDIA, STRESS-INDUCED POLYMORPHIC 1; RYR2-Related Catecholaminergic Polymorphic Ventricular Tachycardia. Identifiers: Orphanet 3286, MedGen C1631597, MONDO:0011484, OMIM 604772.

Allele frequency attached by ClinVar (database versions not stated): gnomAD exomes below 0.00001.
gnomAD v4.1: 1 of 1,613,790 alleles (0.000062%); highest among the groups gnomAD compares: Non-Finnish European, 0.000085%; no homozygotes.

Submissions (4):

Labcorp Genetics (formerly Invitae), Labcorp
Classification: Likely benign for Catecholaminergic polymorphic ventricular tachycardia 1. Last evaluated: 2025-10-25. Review status: criteria provided, single submitter. Criteria: Invitae Variant Classification Sherloc (09022015). Collection method: clinical testing. Allele origin: germline.

Ambry Genetics
Classification: Likely benign for Cardiovascular phenotype. Last evaluated: 2025-02-23. Review status: criteria provided, single submitter. Criteria: Ambry Variant Classification Scheme 2023. Collection method: clinical testing. Allele origin: germline.

All of Us Research Program, National Institutes of Health
Classification: Likely benign for Catecholaminergic polymorphic ventricular tachycardia. Last evaluated: 2023-08-15. Review status: criteria provided, single submitter. Criteria: ACMG Guidelines, 2015. Collection method: clinical testing. Allele origin: germline. Inheritance: Autosomal dominant inheritance. Observed: 2 variant alleles, 2 heterozygotes.
Comment: This study involves interpretation of variants in research participants for the purpose of population health screening. Participant phenotype was not available at the time of variant classification. Additional details can be found in publication PMID: 35346344, PMCID: PMC8962531

Color Diagnostics, LLC DBA Color Health
Classification: Likely benign for Cardiomyopathy. Last evaluated: 2018-11-27. Review status: criteria provided, single submitter. Criteria: ACMG Guidelines, 2015. Collection method: clinical testing. Allele origin: germline.